The following is an entry in ClinVar:

ClinVar aggregate classification (germline): Conflicting classifications of pathogenicity. Review status: criteria provided, conflicting classifications (1 of 4 stars). 2 submissions from 2 submitters: Uncertain significance (1); Likely benign (1). Last evaluated 2026-09-30.

Conditions:
Cardiovascular phenotype. Identifiers: MedGen CN230736.

Allele frequency attached by ClinVar (database versions not stated): ExAC 0.00010; gnomAD exomes 0.00011 and 0.00007; TOPMed 0.00013; gnomAD 0.00009; ESP Exome Variant Server 0.00013.
gnomAD v4.1: 126 of 1,612,230 alleles (0.0078%); highest among the groups gnomAD compares: Non-Finnish European, 0.0053%; no homozygotes.

Submissions (2):

GeneDx
Classification: Uncertain significance. Last evaluated: 2026-09-30. Review status: criteria provided, single submitter. Criteria: GeneDx Variant Classification Process June 2021. Collection method: clinical testing. Allele origin: germline.
Comment: In silico analysis suggests that this missense variant does not alter protein structure/function; Has not been previously published as pathogenic or benign to our knowledge

Ambry Genetics
Classification: Likely benign for Cardiovascular phenotype. Last evaluated: 2024-07-10. Review status: criteria provided, single submitter. Criteria: Ambry Variant Classification Scheme 2023. Collection method: clinical testing. Allele origin: germline.

NM_001365276.2(TNXB):c.7685G>A (p.Arg2562Gln)

Gene: TNXB (tenascin XB; minus strand). Cytogenetic location: 6p21.33.
Variant type: single nucleotide variant.
Coding change: c.7685G>A on transcript NM_001365276.2 (MANE Select); coding-DNA position 7685, G replaced by A.
Protein change: p.Arg2562Gln; replaces arginine 2562 with glutamine.
Molecular consequence: missense variant.
Genome position (GRCh38, 1-based): chr6:32,058,198, C>T on the plus strand (G>A on the coding strand, the complement: TNXB is on the minus strand). VCF-style: chr6-32058198-C-T. GRCh37 (hg19) VCF-style: chr6-32025975-C-T.
Other names: c.7685G>A, p.Arg2562Gln (NM_019105.8); short protein forms R2562Q.
Identifiers: ClinVar variation 432347 (VCV000432347.10), dbSNP rs200233352, ClinGen allele CA3734083.
Genomic context (GRCh38, chr6:32,058,198, plus strand): 5'-GGCTCCAGGCCCCTCACAGTGACCTTGCTCTCCTGGCCCCCAACACGCACCGCCTGGGGC[C>T]GCCCGTCCCTGTCCTTGTACTGCACGGTGAAGGAGTCAAAGCGGCCCTGGGGGACGGTCC-3'
Protein context (NP_001352205.1, residues 2552-2572): FTVQYKDRDG[Arg2562Gln]PQAVRVGGQE